The following is an entry in ClinVar:

ClinVar aggregate classification (germline): Uncertain significance (1 of 4 stars; one submission).

gnomAD v4.1: 1 of 1,612,698 alleles (0.000062%); highest among the groups gnomAD compares: African/African-American, 0.0013%; no homozygotes.

Submission:

GeneDx
Classification: Uncertain significance. Last evaluated: 2025-06-17. Review status: criteria provided, single submitter. Criteria: GeneDx Variant Classification Process June 2021. Collection method: clinical testing. Allele origin: germline. Affected: yes.
Comment: Not observed at significant frequency in large population cohorts (gnomAD); In silico analysis supports that this missense variant has a deleterious effect on protein structure/function; Has not been previously published as pathogenic or benign to our knowledge

NM_014847.4(UBAP2L):c.1787C>G (p.Ser596Cys)

Gene: UBAP2L (ubiquitin associated protein 2 like; plus strand). Cytogenetic location: 1q21.3.
Variant type: single nucleotide variant.
Coding change: c.1787C>G on transcript NM_014847.4 (MANE Select); coding-DNA position 1787, C replaced by G.
Protein change: p.Ser596Cys; replaces serine 596 with cysteine.
Molecular consequence: missense variant.
Genome position (GRCh38, 1-based): chr1:154,254,022, C>G. VCF-style: chr1-154254022-C-G. GRCh37 (hg19) VCF-style: chr1-154226498-C-G.
Other names: c.1787C>G, p.Ser596Cys (NM_001127320.3, NM_001375614.1, NM_001375615.1 and 14 more transcripts); c.1766C>G, p.Ser589Cys (NM_001287815.1); c.1820C>G, p.Ser607Cys (NM_001287816.1, NM_001330730.1, NM_001375612.1 and 2 more transcripts); short protein forms S589C, S596C, S607C.
Identifiers: ClinVar variation 4538916 (VCV004538916.1).